The following is an entry in ClinVar:

ClinVar aggregate classification (germline): Uncertain significance (1 of 4 stars; one submission).

Conditions:
Juvenile polyposis syndrome (JPS). Identifiers: Orphanet 2929, MedGen C0345893, MONDO:0017380, OMIM 174900.

Submission:

Labcorp Genetics (formerly Invitae), Labcorp
Classification: Uncertain significance for Juvenile polyposis syndrome. Last evaluated: 2021-03-26. Review status: criteria provided, single submitter. Criteria: Invitae Variant Classification Sherloc (09022015). Collection method: clinical testing. Allele origin: germline.
Comment: The frequency data for this variant in the population databases is not available, as this variant may be reported as separate entries in the ExAC database. In summary, the available evidence is currently insufficient to determine the role of this variant in disease. Therefore, it has been classified as a Variant of Uncertain Significance. Algorithms developed to predict the effect of missense changes on protein structure and function are either unavailable or do not agree on the potential impact of this missense change (SIFT: "Not Available"; PolyPhen-2: "Benign"; Align-GVGD: "Not Available"). This variant has not been reported in the literature in individuals with BMPR1A-related conditions. This sequence change replaces lysine with phenylalanine at codon 115 of the BMPR1A protein (p.Lys115Phe). The lysine residue is moderately conserved and there is a moderate physicochemical difference between lysine and phenylalanine.

NM_004329.3(BMPR1A):c.343_345inv (p.Lys115Phe)

Gene: BMPR1A (bone morphogenetic protein receptor type 1A; plus strand). Cytogenetic location: 10q23.2.
Variant type: Inversion.
Coding change: c.343_345inv on transcript NM_004329.3 (MANE Select).
Protein change: p.Lys115Phe; replaces lysine 115 with phenylalanine.
Molecular consequence: missense variant.
Genome position: GRCh38 VCF-style: chr10-86899803-AAA-TTT. GRCh37 (hg19) VCF-style: chr10-88659560-AAA-TTT.
Other names: short protein forms K115F.
Identifiers: ClinVar variation 1471161 (VCV001471161.6), ClinGen allele CA2573145685.